The following is an entry in ClinVar:

ClinVar aggregate classification (germline): Uncertain significance (1 of 4 stars; one submission).

Conditions:
ADCY3-related disorder. Also called: ADCY3-related condition.

gnomAD v4.1: 28 of 1,614,072 alleles (0.0017%); highest among the groups gnomAD compares: African/African-American, 0.015%; no homozygotes.

Submission:

PreventionGenetics, part of Exact Sciences
Classification: Uncertain significance for ADCY3-related condition. Last evaluated: 2026-05-11. Review status: criteria provided, single submitter. Criteria: ACMG Guidelines, 2015. Collection method: clinical testing. Allele origin: germline.
Comment: The ADCY3 c.3080C>T variant is predicted to result in the amino acid substitution p.Thr1027Met. To our knowledge, this variant has not been reported in the literature. This variant is reported in 0.020% of alleles in individuals of African descent in gnomAD. At this time, the clinical significance of this variant is uncertain due to the absence of conclusive functional and genetic evidence.

NM_004036.5(ADCY3):c.3077C>T (p.Thr1026Met)

Genes: ADCY3 (adenylate cyclase 3; minus strand), CENPO (centromere protein O; plus strand). Cytogenetic location: 2p23.3.
Variant type: single nucleotide variant.
Coding change: c.3077C>T on transcript NM_004036.5 (MANE Select); coding-DNA position 3077, C replaced by T.
Protein change: p.Thr1026Met; replaces threonine 1026 with methionine.
Molecular consequence: missense variant. On other transcripts: 3 prime UTR variant (3), non-coding transcript variant (3).
Genome position (GRCh38, 1-based): chr2:24,821,567, G>A on the plus strand (C>T on the coding strand, the complement: ADCY3 is on the minus strand). VCF-style: chr2-24821567-G-A. GRCh37 (hg19) VCF-style: chr2-25044436-G-A.
Other names: c.3080C>T, p.Thr1027Met (NM_001320613.2); c.3143C>T, p.Thr1048Met (NM_001377128.1); c.2939C>T, p.Thr980Met (NM_001377129.1); c.2525C>T, p.Thr842Met (NM_001377130.1); c.2354C>T, p.Thr785Met (NM_001377131.1); c.3077C>T, p.Thr1026Met (NM_001377132.1); c.*2249G>A (NM_001199803.3, NM_001322101.2, NM_024322.4); short protein forms T1026M, T842M, T980M, T1048M, T785M, T1027M.
Identifiers: ClinVar variation 4984997 (VCV004984997.1).